The following is an entry in ClinVar:

NM_003590.5(CUL3):c.793G>T (p.Glu265Ter)

Gene: CUL3 (cullin 3; minus strand). Cytogenetic location: 2q36.2.
Variant type: single nucleotide variant.
Coding change: c.793G>T on transcript NM_003590.5 (MANE Select); coding-DNA position 793, G replaced by T.
Protein change: p.Glu265Ter; replaces glutamic acid 265 with a stop codon.
Molecular consequence: nonsense.
Genome position (GRCh38, 1-based): chr2:224,511,444, C>A on the plus strand (G>T on the coding strand, the complement: CUL3 is on the minus strand). VCF-style: chr2-224511444-C-A. GRCh37 (hg19) VCF-style: chr2-225376161-C-A.
Other names: c.595G>T, p.Glu199Ter (NM_001257197.2); c.811G>T, p.Glu271Ter (NM_001257198.2); short protein forms E199*, E265*, E271*.
Identifiers: ClinVar variation 4008316 (VCV004008316.1).

ClinVar aggregate classification (germline): Pathogenic (1 of 4 stars; one submission).

Conditions:
Inborn genetic diseases. Identifiers: MedGen C0950123, MeSH D030342.

Submission:

Ambry Genetics
Classification: Pathogenic for Inborn genetic diseases. Last evaluated: 2025-04-14. Review status: criteria provided, single submitter. Criteria: Ambry Variant Classification Scheme 2023. Collection method: clinical testing. Allele origin: germline.
Comment: The c.793G>T (p.E265*) alteration, located in exon 6 (coding exon 6) of the CUL3 gene, consists of a G to T substitution at nucleotide position 793. This changes the amino acid from a glutamic acid (E) to a stop codon at amino acid position 265. This alteration is expected to result in loss of function by premature protein truncation or nonsense-mediated mRNA decay. for CUL3-related neurodevelopmental disorder; however, its clinical significance for CUL3-related pseudohypoaldosteronism type II is uncertain. This variant was not reported in population-based cohorts in the Genome Aggregation Database (gnomAD). Based on the available evidence, this alteration is classified as pathogenic.